The following is an entry in ClinVar:

ClinVar aggregate classification (germline): Uncertain significance (1 of 4 stars; one submission).

Conditions:
EPILEPSY, CHILDHOOD ABSENCE, SUSCEPTIBILITY TO, 2 (ECA2). Identifiers: Orphanet 64280, MedGen C1843244, OMIM 607681.
Febrile seizures, familial, 8 (FEB8). Also called: CONVULSIONS, FAMILIAL FEBRILE, 8. Identifiers: Orphanet 36387, MedGen C1969810, MONDO:0011891, OMIM 607681.

Submission:

Labcorp Genetics (formerly Invitae), Labcorp
Classification: Uncertain significance for Febrile seizures, familial, 8; EPILEPSY, CHILDHOOD ABSENCE, SUSCEPTIBILITY TO, 2. Last evaluated: 2023-11-03. Review status: criteria provided, single submitter. Criteria: Invitae Variant Classification Sherloc (09022015). Collection method: clinical testing. Allele origin: germline.
Comment: This sequence change falls in intron 6 of the GABRG2 gene. It does not directly change the encoded amino acid sequence of the GABRG2 protein. This variant is not present in population databases (gnomAD no frequency). This variant has not been reported in the literature in individuals affected with GABRG2-related conditions. Algorithms developed to predict the effect of sequence changes on RNA splicing suggest that this variant may disrupt the consensus splice site. In summary, the available evidence is currently insufficient to determine the role of this variant in disease. Therefore, it has been classified as a Variant of Uncertain Significance.

NM_198904.4(GABRG2):c.770-17T>G

Gene: GABRG2 (gamma-aminobutyric acid type A receptor subunit gamma2; plus strand). Cytogenetic location: 5q34.
Variant type: single nucleotide variant.
Coding change: c.770-17T>G on transcript NM_198904.4 (MANE Select); 17 bases into the intron before coding-DNA position 770, T replaced by G.
Molecular consequence: intron variant.
Genome position (GRCh38, 1-based): chr5:162,142,147, T>G. VCF-style: chr5-162142147-T-G. GRCh37 (hg19) VCF-style: chr5-161569153-T-G.
Other names: c.485-17T>G (NM_001375349.1); c.890-17T>G (NM_001375343.1, NM_198903.2); c.809-17T>G (NM_001375344.1); c.770-17T>G (NM_001375340.1, NM_000816.3); c.770-20T>G (NM_001375341.1, NM_001375342.1); c.350-17T>G (NM_001375350.1, NM_001375348.1); c.761-17T>G (NM_001375339.1); c.704-17T>G (NM_001375346.1, NM_001375345.1); and 1 more.
Identifiers: ClinVar variation 2952833 (VCV002952833.3), dbSNP rs369989217, ClinGen allele CA2740094173.
Genomic context (GRCh38, chr5:162,142,147, plus strand): 5'-ATTAAATACATGCTTAGTTTTAATGTTTTCCAGTGATTGATAAAGGGTTGTATGGTGTTA[T>G]CTTTGGTCTGTTCCAGGAGATTATGTGGTCATGTCTGTCTACTTTGATCTGAGCAGAAGA-3'